The following is an entry in ClinVar:

NM_147127.5(EVC2):c.1005+109C>T

Genes: EVC2 (EvC ciliary complex subunit 2; minus strand), LOC126806962 (BRD4-independent group 4 enhancer GRCh37_chr4:5666069-5667268; plus strand). Cytogenetic location: 4p16.2.
Variant type: single nucleotide variant.
Coding change: c.1005+109C>T on transcript NM_147127.5 (MANE Select); 109 bases into the intron after coding-DNA position 1005, C replaced by T.
Molecular consequence: intron variant.
Genome position (GRCh38, 1-based): chr4:5,665,406, G>A on the plus strand (C>T on the coding strand, the complement: EVC2 is on the minus strand). VCF-style: chr4-5665406-G-A. GRCh37 (hg19) VCF-style: chr4-5667133-G-A.
Other names: c.765+109C>T (NM_001166136.2).
Identifiers: ClinVar variation 675034 (VCV000675034.2), dbSNP rs75886611, ClinGen allele CA15324226.

ClinVar aggregate classification (germline): Benign. Review status: criteria provided, multiple submitters, no conflicts (2 of 4 stars). 2 submissions from 2 submitters: Benign (2). Last evaluated 2018-06-14.

Allele frequency attached by ClinVar (database versions not stated): 1000 Genomes Project 0.15216; 1000 Genomes Project 30x 0.15256; gnomAD 0.16775 and 0.16974; TOPMed 0.16975; gnomAD exomes 0.17291.
gnomAD v4.1: 265,151 of 1,535,282 alleles (17%); highest among the groups gnomAD compares: Middle Eastern, 22%; 23,548 homozygotes.

Submissions (2):

GeneDx
Classification: Benign. Last evaluated: 2018-06-14. Review status: criteria provided, single submitter. Criteria: GeneDx Variant Classification (06012015). Collection method: clinical testing. Allele origin: germline. Affected: yes.
Comment: This variant is considered likely benign or benign based on one or more of the following criteria: it is a conservative change, it occurs at a poorly conserved position in the protein, it is predicted to be benign by multiple in silico algorithms, and/or has population frequency not consistent with disease.

Breakthrough Genomics
Classification: Benign. Review status: criteria provided, single submitter. Criteria: ACMG Guidelines, 2015. Collection method: not provided. Allele origin: germline. Inheritance: Autosomal recessive inheritance. Affected: yes.